The following is an entry in ClinVar:

NM_001377265.1(MAPT):c.998G>C (p.Gly333Ala)

Gene: MAPT (microtubule associated protein tau). Cytogenetic location: 17q21.31.
Variant type: single nucleotide variant.
Coding change: c.998G>C on transcript NM_001377265.1 (MANE Select); coding-DNA position 998, G replaced by C.
Protein change: p.Gly333Ala; replaces glycine 333 with alanine.
Molecular consequence: missense variant. On other transcripts: intron variant (8).
Genome position (GRCh38, 1-based): chr17:45,983,577, G>C. VCF-style: chr17-45983577-G-C. GRCh37 (hg19) VCF-style: chr17-44060943-G-C.
Other names: c.773G>C, p.Gly258Ala (NM_001123066.4, NM_016835.5); c.998G>C, p.Gly333Ala (NM_001377266.1); c.200-3463G>C (NM_001377268.1, NM_016834.5, NM_016841.5); c.374-3463G>C (NM_005910.6, NM_001203252.2); c.287-3463G>C (NM_001123067.4, NM_001203251.2, NM_001377267.1); short protein forms G258A, G333A.
Identifiers: ClinVar variation 2500472 (VCV002500472.1), dbSNP rs376750246, ClinGen allele CA8617753.

ClinVar aggregate classification (germline): Uncertain significance (1 of 4 stars; one submission).

Allele frequency attached by ClinVar (database versions not stated): gnomAD exomes 0.00001; ExAC 0.00003; TOPMed 0.00008; gnomAD 0.00010; ESP Exome Variant Server 0.00015.
gnomAD v4.1: 36 of 1,613,104 alleles (0.0022%); highest among the groups gnomAD compares: African/African-American, 0.043%; no homozygotes.

Submission:

GeneDx
Classification: Uncertain significance. Last evaluated: 2022-10-25. Review status: criteria provided, single submitter. Criteria: GeneDx Variant Classification Process June 2021. Collection method: clinical testing. Allele origin: germline. Affected: yes.
Comment: In silico analysis supports that this variant does not alter splicing; Has not been previously published as pathogenic or benign to our knowledge; Reported using an alternate transcript of the gene